The following is an entry in ClinVar:

ClinVar aggregate classification (germline): Uncertain significance (1 of 4 stars; one submission).

Conditions:
Familial focal epilepsy with variable foci (FPEVF). Identifiers: Orphanet 98820, MedGen C1858477, MONDO:0020310.

Allele frequency attached by ClinVar (database versions not stated): gnomAD exomes below 0.00001 and 0.00001; ExAC 0.00001; gnomAD 0.00001.

Submission:

Labcorp Genetics (formerly Invitae), Labcorp
Classification: Uncertain significance for Familial focal epilepsy with variable foci. Last evaluated: 2022-07-12. Review status: criteria provided, single submitter. Criteria: Invitae Variant Classification Sherloc (09022015). Collection method: clinical testing. Allele origin: germline.
Comment: In summary, the available evidence is currently insufficient to determine the role of this variant in disease. Therefore, it has been classified as a Variant of Uncertain Significance. Algorithms developed to predict the effect of sequence changes on RNA splicing suggest that this variant may create or strengthen a splice site. Algorithms developed to predict the effect of missense changes on protein structure and function are either unavailable or do not agree on the potential impact of this missense change (SIFT: "Tolerated"; PolyPhen-2: "Not Available"; Align-GVGD: "Class C0"). ClinVar contains an entry for this variant (Variation ID: 1038973). This variant has not been reported in the literature in individuals affected with DEPDC5-related conditions. This variant is present in population databases (rs746349872, gnomAD 0.007%). This sequence change replaces methionine, which is neutral and non-polar, with valine, which is neutral and non-polar, at codon 1078 of the DEPDC5 protein (p.Met1078Val).

NM_001242896.3(DEPDC5):c.3232A>G (p.Met1078Val)

Gene: DEPDC5 (DEP domain containing 5, GATOR1 subcomplex subunit; plus strand). Cytogenetic location: 22q12.3.
Variant type: single nucleotide variant.
Coding change: c.3232A>G on transcript NM_001242896.3 (MANE Select); coding-DNA position 3232, A replaced by G.
Protein change: p.Met1078Val; replaces methionine 1078 with valine.
Molecular consequence: missense variant. On other transcripts: non-coding transcript variant (5).
Genome position (GRCh38, 1-based): chr22:31,857,521, A>G. VCF-style: chr22-31857521-A-G. GRCh37 (hg19) VCF-style: chr22-32253507-A-G.
Other names: c.3205A>G, p.Met1069Val (NM_001136029.4, NM_001369903.1, NM_014662.6); c.2998A>G, p.Met1000Val (NM_001242897.2, NM_001363854.2, NM_001364319.2); c.3232A>G, p.Met1078Val (NM_001363852.2, NM_001364318.2, NM_001364320.2); c.3148A>G, p.Met1050Val (NM_001369901.1, NM_001369902.1); short protein forms M1000V, M1078V, M1069V, M1050V.
Identifiers: ClinVar variation 1038973 (VCV001038973.8), dbSNP rs746349872, ClinGen allele CA10196914.